The following is an entry in ClinVar:

NM_005219.5(DIAPH1):c.29C>T (p.Pro10Leu)

Gene: DIAPH1 (diaphanous related formin 1; minus strand). Cytogenetic location: 5q31.3.
Variant type: single nucleotide variant.
Coding change: c.29C>T on transcript NM_005219.5 (MANE Select); coding-DNA position 29, C replaced by T.
Protein change: p.Pro10Leu; replaces proline 10 with leucine.
Molecular consequence: missense variant.
Genome position (GRCh38, 1-based): chr5:141,618,886, G>A on the plus strand (C>T on the coding strand, the complement: DIAPH1 is on the minus strand). VCF-style: chr5-141618886-G-A. GRCh37 (hg19) VCF-style: chr5-140998453-G-A.
Other names: c.29C>T, p.Pro10Leu (NM_001079812.3, NM_001314007.2); short protein forms P10L.
Identifiers: ClinVar variation 4794660 (VCV004794660.1).

ClinVar aggregate classification (germline): Uncertain significance (1 of 4 stars; one submission).

Conditions:
Autosomal dominant nonsyndromic hearing loss 1. Also called: DEAFNESS, AUTOSOMAL DOMINANT 1, WITH OR WITHOUT THROMBOCYTOPENIA; KONIGSMARK SYNDROME. Identifiers: Orphanet 90635, MedGen C1852282, MONDO:0007424, OMIM 124900.
Progressive microcephaly-seizures-cortical blindness-developmental delay syndrome. Also called: Seizures, cortical blindness, and microcephaly syndrome. Identifiers: Orphanet 477814, MedGen C5567650, MONDO:0014714, OMIM 616632.

gnomAD v4.1: 3 of 1,516,706 alleles (0.0002%); highest among the groups gnomAD compares: East Asian, 0.0055%; no homozygotes.

Submission:

Labcorp Genetics (formerly Invitae), Labcorp
Classification: Uncertain significance for Progressive microcephaly-seizures-cortical blindness-developmental delay syndrome; Autosomal dominant nonsyndromic hearing loss 1. Last evaluated: 2025-07-06. Review status: criteria provided, single submitter. Criteria: Invitae Variant Classification Sherloc (09022015). Collection method: clinical testing. Allele origin: germline.
Comment: This sequence change replaces proline, which is neutral and non-polar, with leucine, which is neutral and non-polar, at codon 10 of the DIAPH1 protein (p.Pro10Leu). The frequency data for this variant in the population databases is considered unreliable, as metrics indicate poor data quality at this position in the gnomAD database. This variant has not been reported in the literature in individuals affected with DIAPH1-related conditions. Experimental studies and prediction algorithms are not available or were not evaluated, and the functional significance of this variant is currently unknown. In summary, the available evidence is currently insufficient to determine the role of this variant in disease. Therefore, it has been classified as a Variant of Uncertain Significance.